The following is an entry in ClinVar:

ClinVar aggregate classification (germline): Uncertain significance. Review status: criteria provided, multiple submitters, no conflicts (2 of 4 stars). 2 submissions from 2 submitters: Uncertain significance (2). Last evaluated 2025-08-19.

Conditions:
Hereditary cancer-predisposing syndrome. Also called: Neoplastic Syndromes, Hereditary; Hereditary Cancer Syndrome; Tumor predisposition; Hereditary neoplastic syndrome. Identifiers: Orphanet 140162, MedGen C0027672, MeSH D009386, MONDO:0015356.

Submissions (2):

Ambry Genetics
Classification: Uncertain significance for Hereditary cancer-predisposing syndrome. Last evaluated: 2025-08-19. Review status: criteria provided, single submitter. Criteria: Ambry Variant Classification Scheme 2023. Collection method: clinical testing. Allele origin: germline.
Comment: The p.L132P variant (also known as c.395T>C), located in coding exon 3 of the CTNNA1 gene, results from a T to C substitution at nucleotide position 395. The leucine at codon 132 is replaced by proline, an amino acid with similar properties. This amino acid position is conserved. In addition, this alteration is predicted to be deleterious by in silico analysis. Based on the available evidence, the clinical significance of this variant remains unclear.

Labcorp Genetics (formerly Invitae), Labcorp
Classification: Uncertain significance. Last evaluated: 2023-12-13. Review status: criteria provided, single submitter. Criteria: Invitae Variant Classification Sherloc (09022015). Collection method: clinical testing. Allele origin: germline.
Comment: This sequence change replaces leucine, which is neutral and non-polar, with proline, which is neutral and non-polar, at codon 132 of the CTNNA1 protein (p.Leu132Pro). This variant is not present in population databases (gnomAD no frequency). This variant has not been reported in the literature in individuals affected with CTNNA1-related conditions. ClinVar contains an entry for this variant (Variation ID: 1039625). Advanced modeling of protein sequence and biophysical properties (such as structural, functional, and spatial information, amino acid conservation, physicochemical variation, residue mobility, and thermodynamic stability) performed at Invitae indicates that this missense variant is expected to disrupt CTNNA1 protein function with a positive predictive value of 80%. In summary, the available evidence is currently insufficient to determine the role of this variant in disease. Therefore, it has been classified as a Variant of Uncertain Significance.

NM_001903.5(CTNNA1):c.395T>C (p.Leu132Pro)

Gene: CTNNA1 (catenin alpha 1; plus strand). Cytogenetic location: 5q31.2.
Variant type: single nucleotide variant.
Coding change: c.395T>C on transcript NM_001903.5 (MANE Select); coding-DNA position 395, T replaced by C.
Protein change: p.Leu132Pro; replaces leucine 132 with proline.
Molecular consequence: missense variant.
Genome position (GRCh38, 1-based): chr5:138,810,131, T>C. VCF-style: chr5-138810131-T-C. GRCh37 (hg19) VCF-style: chr5-138145820-T-C.
Other names: c.395T>C (NM_001903.2); c.395T>C, p.Leu132Pro (NM_001290307.3, NM_001323982.2, NM_001323983.1 and 3 more transcripts); c.86T>C, p.Leu29Pro (NM_001290309.3); c.26T>C, p.Leu9Pro (NM_001290310.3); short protein forms L9P, L132P, L29P.
Identifiers: ClinVar variation 1039625 (VCV001039625.9), dbSNP rs1758523708, ClinGen allele CA361123226.
Genomic context (GRCh38, chr5:138,810,131, plus strand): 5'-CAGATGATCCCTGCTCTTCTGTGAAGCGAGGCAACATGGTTCGGGCAGCTCGAGCTTTGC[T>C]CTCTGCTGTTACCCGGTTGCTGATTTTGGCTGACATGGCAGATGTCTACAAATTACTTGT-3'
Protein context (NP_001894.2, residues 122-142): GNMVRAARAL[Leu132Pro]SAVTRLLILA